The following is an entry in ClinVar:

NM_001077418.3(TMEM231):c.235G>C (p.Gly79Arg)

Gene: TMEM231 (transmembrane protein 231; minus strand). Cytogenetic location: 16q23.1.
Variant type: single nucleotide variant.
Coding change: c.235G>C on transcript NM_001077418.3 (MANE Select); coding-DNA position 235, G replaced by C.
Protein change: p.Gly79Arg; replaces glycine 79 with arginine.
Molecular consequence: missense variant. On other transcripts: non-coding transcript variant (1).
Genome position (GRCh38, 1-based): chr16:75,555,878, C>G on the plus strand (G>C on the coding strand, the complement: TMEM231 is on the minus strand). VCF-style: chr16-75555878-C-G. GRCh37 (hg19) VCF-style: chr16-75589776-C-G.
Other names: c.322G>C (NM_001077416.1); c.394G>C, p.Gly132Arg (NM_001077416.2); short protein forms G79R, G132R.
Identifiers: ClinVar variation 1382470 (VCV001382470.8), dbSNP rs766492182, ClinGen allele CA8176257.

ClinVar aggregate classification (germline): Conflicting classifications of pathogenicity. Review status: criteria provided, conflicting classifications (1 of 4 stars). 4 submissions from 4 submitters: Uncertain significance (3); Likely benign (1). Last evaluated 2025-08-28.

Conditions:
Meckel syndrome, type 11 (MKS11). Identifiers: Orphanet 564, MedGen C3809352, MONDO:0014164, OMIM 615397.
Joubert syndrome 20 (JBTS20). Identifiers: Orphanet 475, MedGen C3554235, MONDO:0013994, OMIM 614970.
Inborn genetic diseases. Identifiers: MedGen C0950123, MeSH D030342.

Allele frequency attached by ClinVar (database versions not stated): gnomAD 0.00001; TOPMed 0.00005; gnomAD exomes 0.00014; ExAC 0.00029.
gnomAD v4.1: 38 of 1,592,728 alleles (0.0024%); highest among the groups gnomAD compares: Admixed American, 0.063%; no homozygotes.

Submissions (4):

Ambry Genetics
Classification: Uncertain significance for Inborn genetic diseases. Last evaluated: 2025-08-28. Review status: criteria provided, single submitter. Criteria: Ambry Variant Classification Scheme 2023. Collection method: clinical testing. Allele origin: germline.

GeneDx
Classification: Uncertain significance. Last evaluated: 2025-07-28. Review status: criteria provided, single submitter. Criteria: GeneDx Variant Classification Process June 2021. Collection method: clinical testing. Allele origin: germline.
Comment: In silico analysis suggests that this missense variant does not alter protein structure/function; Has not been previously published as pathogenic or benign to our knowledge

Blueprint Genetics
Classification: Likely benign. Last evaluated: 2024-06-26. Review status: criteria provided, single submitter. Criteria: ACMG Guidelines, 2015. Collection method: clinical testing. Allele origin: germline.

Labcorp Genetics (formerly Invitae), Labcorp
Classification: Uncertain significance for Joubert syndrome 20; Meckel syndrome, type 11. Last evaluated: 2023-12-28. Review status: criteria provided, single submitter. Criteria: Invitae Variant Classification Sherloc (09022015). Collection method: clinical testing. Allele origin: germline.
Comment: This sequence change replaces glycine, which is neutral and non-polar, with arginine, which is basic and polar, at codon 132 of the TMEM231 protein (p.Gly132Arg). This variant is present in population databases (rs766492182, gnomAD 0.1%). This variant has not been reported in the literature in individuals affected with TMEM231-related conditions. ClinVar contains an entry for this variant (Variation ID: 1382470). Experimental studies and prediction algorithms are not available or were not evaluated, and the functional significance of this variant is currently unknown. In summary, the available evidence is currently insufficient to determine the role of this variant in disease. Therefore, it has been classified as a Variant of Uncertain Significance.